The following is an entry in ClinVar:

NM_021224.6(ZNF462):c.5512G>C (p.Ala1838Pro)

Gene: ZNF462 (zinc finger protein 462; plus strand). Cytogenetic location: 9q31.2.
Variant type: single nucleotide variant.
Coding change: c.5512G>C on transcript NM_021224.6 (MANE Select); coding-DNA position 5512, G replaced by C.
Protein change: p.Ala1838Pro; replaces alanine 1838 with proline.
Molecular consequence: missense variant. On other transcripts: intron variant (1).
Genome position (GRCh38, 1-based): chr9:106,929,424, G>C. VCF-style: chr9-106929424-G-C. GRCh37 (hg19) VCF-style: chr9-109691705-G-C.
Other names: c.3253-1101G>C (NM_001347997.2); short protein forms A1838P.
Identifiers: ClinVar variation 2406648 (VCV002406648.2), dbSNP rs764251698, ClinGen allele CA5172020.

ClinVar aggregate classification (germline): Uncertain significance (1 of 4 stars; one submission).

Conditions:
Inborn genetic diseases. Identifiers: MedGen C0950123, MeSH D030342.

Allele frequency attached by ClinVar (database versions not stated): gnomAD exomes 0.00001; TOPMed 0.00001; ExAC 0.00002.
gnomAD v4.1: 13 of 1,614,110 alleles (0.00081%); highest among the groups gnomAD compares: East Asian, 0.022%; no homozygotes.

Submission:

Ambry Genetics
Classification: Uncertain significance for Inborn genetic diseases. Last evaluated: 2020-12-10. Review status: criteria provided, single submitter. Criteria: Ambry Variant Classification Scheme 2023. Collection method: clinical testing. Allele origin: germline.
Comment: The c.5512G>C (p.A1838P) alteration is located in exon 3 (coding exon 2) of the ZNF462 gene. This alteration results from a G to C substitution at nucleotide position 5512, causing the alanine (A) at amino acid position 1838 to be replaced by a proline (P). This variant was reported in 3 individuals in a neurodevelopmental disorder cohort; specific genotype and phenotype information was limited (Guo, 2019). The p.A1838P alteration is predicted to be tolerated by in silico analysis. Based on insufficient or conflicting evidence, the clinical significance of this alteration remains unclear.

Literature cited by the submitters: PubMed 31616000.